The following is an entry in ClinVar:

NM_004329.3(BMPR1A):c.58C>A (p.Arg20Ser)

Gene: BMPR1A (bone morphogenetic protein receptor type 1A; plus strand). Cytogenetic location: 10q23.2.
Variant type: single nucleotide variant.
Coding change: c.58C>A on transcript NM_004329.3 (MANE Select); coding-DNA position 58, C replaced by A.
Protein change: p.Arg20Ser; replaces arginine 20 with serine.
Molecular consequence: missense variant. On other transcripts: 5 prime UTR variant (1), non-coding transcript variant (3), intron variant (4).
Genome position (GRCh38, 1-based): chr10:86,876,076, C>A. VCF-style: chr10-86876076-C-A. GRCh37 (hg19) VCF-style: chr10-88635833-C-A.
Other names: c.58C>A, p.Arg20Ser (NM_001406559.1, NM_001406560.1, NM_001406561.1 and 23 more transcripts); c.-22C>A (NM_001406588.1); c.-17-13986C>A (NM_001406584.1, NM_001406587.1, NM_001406585.1); c.-12-13991C>A (NM_001406586.1); short protein forms R20S.
Identifiers: ClinVar variation 3992029 (VCV003992029.1).

ClinVar aggregate classification (germline): Uncertain significance (1 of 4 stars; one submission).

Conditions:
Hereditary cancer-predisposing syndrome. Also called: Tumor predisposition; Hereditary neoplastic syndrome; Neoplastic Syndromes, Hereditary; Hereditary Cancer Syndrome. Identifiers: Orphanet 140162, MedGen C0027672, MeSH D009386, MONDO:0015356.

Submission:

Ambry Genetics
Classification: Uncertain significance for Hereditary cancer-predisposing syndrome. Last evaluated: 2025-05-03. Review status: criteria provided, single submitter. Criteria: Ambry Variant Classification Scheme 2023. Collection method: clinical testing. Allele origin: germline.
Comment: The p.R20S variant (also known as c.58C>A), located in coding exon 1 of the BMPR1A gene, results from a C to A substitution at nucleotide position 58. The arginine at codon 20 is replaced by serine, an amino acid with dissimilar properties. This amino acid position is conserved. In addition, this alteration is predicted to be tolerated by in silico analysis. Based on the available evidence, the clinical significance of this variant remains unclear.